The following is an entry in ClinVar:

ClinVar aggregate classification (germline): Uncertain significance. Review status: criteria provided, multiple submitters, no conflicts (2 of 4 stars). 2 submissions from 2 submitters: Uncertain significance (2). Last evaluated 2025-06-24.

Conditions:
Inborn genetic diseases. Identifiers: MedGen C0950123, MeSH D030342.

Allele frequency attached by ClinVar (database versions not stated): ExAC 0.00002; gnomAD 0.00002 and 0.00003; gnomAD exomes 0.00002; TOPMed 0.00002; ESP Exome Variant Server 0.00008.
gnomAD v4.1: 33 of 1,613,870 alleles (0.002%); highest among the groups gnomAD compares: Non-Finnish European, 0.0025%; no homozygotes.

Submissions (2):

Ambry Genetics
Classification: Uncertain significance for Inborn genetic diseases. Last evaluated: 2025-06-24. Review status: criteria provided, single submitter. Criteria: Ambry Variant Classification Scheme 2023. Collection method: clinical testing. Allele origin: germline.

Labcorp Genetics (formerly Invitae), Labcorp
Classification: Uncertain significance. Last evaluated: 2025-02-03. Review status: criteria provided, single submitter. Criteria: Invitae Variant Classification Sherloc (09022015). Collection method: clinical testing. Allele origin: germline.
Comment: This sequence change replaces phenylalanine, which is neutral and non-polar, with leucine, which is neutral and non-polar, at codon 3258 of the VCAN protein (p.Phe3258Leu). This variant is present in population databases (rs377678558, gnomAD 0.006%). This variant has not been reported in the literature in individuals affected with VCAN-related conditions. ClinVar contains an entry for this variant (Variation ID: 963668). An algorithm developed to predict the effect of missense changes on protein structure and function (PolyPhen-2) suggests that this variant is likely to be disruptive. In summary, the available evidence is currently insufficient to determine the role of this variant in disease. Therefore, it has been classified as a Variant of Uncertain Significance.

NM_004385.5(VCAN):c.9774C>A (p.Phe3258Leu)

Gene: VCAN (versican; plus strand). Cytogenetic location: 5q14.3.
Variant type: single nucleotide variant.
Coding change: c.9774C>A on transcript NM_004385.5 (MANE Select); coding-DNA position 9774, C replaced by A.
Protein change: p.Phe3258Leu; replaces phenylalanine 3258 with leucine.
Molecular consequence: missense variant.
Genome position (GRCh38, 1-based): chr5:83,572,454, C>A. VCF-style: chr5-83572454-C-A. GRCh37 (hg19) VCF-style: chr5-82868273-C-A.
Other names: c.1551C>A, p.Phe517Leu (NM_001126336.3); c.6813C>A, p.Phe2271Leu (NM_001164097.2); c.4512C>A, p.Phe1504Leu (NM_001164098.2); short protein forms F1504L, F2271L, F3258L, F517L.
Identifiers: ClinVar variation 963668 (VCV000963668.12), dbSNP rs377678558, ClinGen allele CA3334098.